The following is an entry in ClinVar:

ClinVar aggregate classification (germline): Benign. Review status: criteria provided, multiple submitters, no conflicts (2 of 4 stars). 6 submissions from 6 submitters: Benign (5). 1 of the submissions does not count toward it. Last evaluated 2026-02-03.

Conditions:
Epidermolysis bullosa simplex. Also called: Epidermolysis bullosa simplex, Weber-Cockayne type (subtype); Epidermolysis bullosa simplex, Dowling-Meara type (subtype); Epidermolysis bullosa simplex with mottled pigmentation (subtype). Identifiers: Orphanet 304, MedGen C0079298, MONDO:0017610.

Allele frequency attached by ClinVar (database versions not stated): gnomAD exomes 0.13249; 1000 Genomes Project 30x 0.13007; gnomAD 0.14949 and 0.15363; 1000 Genomes Project 0.12800; ExAC 0.13029; ESP Exome Variant Server 0.15174; TOPMed 0.15443.

Submissions (6):

Labcorp Genetics (formerly Invitae), Labcorp
Classification: Benign. Last evaluated: 2026-02-03. Review status: criteria provided, single submitter. Criteria: Invitae Variant Classification Sherloc (09022015). Collection method: clinical testing. Allele origin: germline.

Illumina Laboratory Services, Illumina
Classification: Benign for Epidermolysis bullosa simplex. Last evaluated: 2018-01-12. Review status: criteria provided, single submitter. Criteria: ICSL Variant Classification Criteria 13 December 2019. Collection method: clinical testing. Allele origin: germline.
Comment: This variant was observed in the ICSL laboratory as part of a predisposition screen in an ostensibly healthy population. It had not been previously curated by ICSL or reported in the Human Gene Mutation Database (HGMD: prior to June 1st, 2018), and was therefore a candidate for classification through an automated scoring system. Utilizing variant allele frequency, disease prevalence and penetrance estimates, and inheritance mode, an automated score was calculated to assess if this variant is too frequent to cause the disease. Based on the score and internal cut-off values, a variant classified as benign is not then subjected to further curation. The score for this variant resulted in a classification of benign for this disease.

GeneDx
Classification: Benign. Last evaluated: 2015-03-03. Review status: criteria provided, single submitter. Criteria: GeneDx Variant Classification Process June 2021. Collection method: clinical testing. Allele origin: germline. Affected: yes.

Breakthrough Genomics
Classification: Benign. Review status: criteria provided, single submitter. Criteria: ACMG Guidelines, 2015. Collection method: not provided. Allele origin: germline. Inheritance: Autosomal recessive inheritance. Affected: yes.

PreventionGenetics, part of Exact Sciences
Classification: Benign. Review status: criteria provided, single submitter. Criteria: ACMG Guidelines, 2015. Collection method: clinical testing. Allele origin: germline.

Epithelial Biology;  Institute of Medical Biology, Singapore
No classification provided. Review status: no classification provided. Collection method: not provided. Allele origin: not provided. Not counted in ClinVar's aggregate classification.

NM_000424.4(KRT5):c.630T>C (p.Thr210=)

Genes: KRT5 (keratin 5; minus strand), LOC126861526 (BRD4-independent group 4 enhancer GRCh37_chr12:52912066-52913265; plus strand). Cytogenetic location: 12q13.13.
Variant type: single nucleotide variant.
Coding change: c.630T>C on transcript NM_000424.4 (MANE Select); coding-DNA position 630, T replaced by C.
Protein change: p.Thr210=; no amino-acid change (threonine 210 retained).
Molecular consequence: synonymous variant.
Genome position (GRCh38, 1-based): chr12:52,519,086, A>G on the plus strand (T>C on the coding strand, the complement: KRT5 is on the minus strand). VCF-style: chr12-52519086-A-G. GRCh37 (hg19) VCF-style: chr12-52912870-A-G.
Identifiers: ClinVar variation 66282 (VCV000066282.15), dbSNP rs17852231, ClinGen allele CA216788.
Genomic context (GRCh38, chr12:52,519,086, plus strand): 5'-CAGCTGCCTCCTGAGGTTGTTGATGTACTGCTCGAACAACGGCTCCAGGTTCTGCCTCAC[A>G]GTCTTGGTGCCCTGCTCCTGCAGCAGGGTCCACTTGGTGTCCAGAACCTTGTTCTGCTGC-3'
Protein context (NP_000415.2, residues 200-220): WTLLQEQGTK[Thr210=]VRQNLEPLFE